The following is an entry in ClinVar:

ClinVar aggregate classification (germline): Benign/Likely benign. Review status: criteria provided, multiple submitters, no conflicts (2 of 4 stars). 13 submissions from 13 submitters: Benign (6); Likely benign (5). 2 of the submissions do not count toward it. Last evaluated 2026-02-03.

Conditions:
Cardiovascular phenotype. Identifiers: MedGen CN230736.
Cutis laxa, autosomal recessive, type 1B (ARCL1B). Also called: EFEMP2-Related Cutis Laxa; CUTIS LAXA, AUTOSOMAL RECESSIVE, TYPE IB. Identifiers: Orphanet 90349, MedGen C3280798, MONDO:0013754, OMIM 614437. Disease mechanism: loss of function.

Allele frequency attached by ClinVar (database versions not stated): 1000 Genomes Project 0.00080; 1000 Genomes Project 30x 0.00094; gnomAD exomes 0.00168 and 0.00331; ExAC 0.00176; TOPMed 0.00186; gnomAD 0.00212 and 0.00223; ESP Exome Variant Server 0.00254.
gnomAD v4.1: 5,046 of 1,613,956 alleles (0.31%); highest among the groups gnomAD compares: Non-Finnish European, 0.41%; 12 homozygotes.

Submissions (13):

Labcorp Genetics (formerly Invitae), Labcorp
Classification: Benign for Cutis laxa, autosomal recessive, type 1B. Last evaluated: 2026-02-03. Review status: criteria provided, single submitter. Criteria: Invitae Variant Classification Sherloc (09022015). Collection method: clinical testing. Allele origin: germline.

ARUP Laboratories, Molecular Genetics and Genomics, ARUP Laboratories
Classification: Benign for Cutis laxa, autosomal recessive, type 1B. Last evaluated: 2025-04-28. Review status: criteria provided, single submitter. Criteria: ARUP Molecular Germline Variant Investigation Process 2024. Collection method: clinical testing. Allele origin: germline.

Blueprint Genetics
Classification: Likely benign. Last evaluated: 2024-11-25. Review status: criteria provided, single submitter. Criteria: ACMG Guidelines, 2015. Collection method: clinical testing. Allele origin: germline.

Mayo Clinic Laboratories, Mayo Clinic
Classification: Benign. Last evaluated: 2024-07-29. Review status: criteria provided, single submitter. Criteria: ACMG Guidelines, 2015. Collection method: clinical testing. Allele origin: germline. Observed: 5 variant alleles.
Comment: BS1, BS2

CeGaT Center for Human Genetics Tuebingen
Classification: Likely benign. Last evaluated: 2024-04-01. Review status: criteria provided, single submitter. Criteria: CeGaT Center For Human Genetics Tuebingen Variant Classification Criteria Version 2. Collection method: clinical testing. Allele origin: germline. Affected: yes. Observed: 6 variant alleles.
Comment: EFEMP2: BP4

GeneDx
Classification: Likely benign. Last evaluated: 2021-02-15. Review status: criteria provided, single submitter. Criteria: GeneDx Variant Classification Process June 2021. Collection method: clinical testing. Allele origin: germline. Affected: yes.
Comment: This variant is associated with the following publications: (PMID: 26017485)

Ambry Genetics
Classification: Benign for Cardiovascular phenotype. Last evaluated: 2019-10-21. Review status: criteria provided, single submitter. Criteria: Ambry Variant Classification Scheme 2023. Collection method: clinical testing. Allele origin: germline.

Illumina Laboratory Services, Illumina
Classification: Likely benign for Cutis laxa, autosomal recessive, type 1B. Last evaluated: 2018-01-12. Review status: criteria provided, single submitter. Criteria: ICSL Variant Classification Criteria 13 December 2019. Collection method: clinical testing. Allele origin: germline.
Comment: This variant was observed in the ICSL laboratory as part of a predisposition screen in an ostensibly healthy population. It had not been previously curated by ICSL or reported in the Human Gene Mutation Database (HGMD: prior to June 1st, 2018), and was therefore a candidate for classification through an automated scoring system. Utilizing variant allele frequency, disease prevalence and penetrance estimates, and inheritance mode, an automated score was calculated to assess if this variant is too frequent to cause the disease. Based on the score and internal cut-off values, a variant classified as likely benign is not then subjected to further curation. The score for this variant resulted in a classification of likely benign for this disease.

Women's Health and Genetics/Laboratory Corporation of America, LabCorp
Classification: Benign. Last evaluated: 2017-07-14. Review status: criteria provided, single submitter. Criteria: LabCorp Variant Classification Summary - May 2015. Collection method: clinical testing. Allele origin: germline.
Comment: Variant summary: The EFEMP2 c.368-4G>A variant involves the alteration of a non-conserved intronic nucleotide. Mutation taster predicts a damaging outcome for this variant. 5/5 splice prediction tools predict no significant impact on normal splicing. This variant was found in 219/121494 control chromosomes (1 homozygote) including ExAC at a frequency of 0.0018026, which is approximately 16 times the estimated maximal expected allele frequency of a pathogenic EFEMP2 variant (0.0001118), suggesting this variant is likely a benign polymorphism. In addition, multiple clinical diagnostic laboratories (via ClinVar) have classified this variant as benign. To our knowledge, the variant of interest has not been reported in affected individuals in literature. Taken together, this variant is classified as benign.

Clinical Genetics DNA and cytogenetics Diagnostics Lab, Erasmus MC, Erasmus Medical Center
Classification: Likely benign for Cutis laxa, autosomal recessive, type 1B. Last evaluated: 2015-07-22. Review status: criteria provided, single submitter. Criteria: ACGS Guidelines, 2013. Collection method: clinical testing. Allele origin: germline. Affected: yes. Study: VKGL Data-share Consensus.

Laboratory for Molecular Medicine, Mass General Brigham Personalized Medicine
Classification: Benign. Last evaluated: 2013-02-21. Review status: criteria provided, single submitter. Criteria: LMM Criteria. Collection method: clinical testing. Allele origin: germline. Observed: 1 variant allele.
Comment: 368-4G>A in intron 4 of EFEMP2: This variant is not expected to have clinical si gnificance because it is not located within the conserved splice consensus seque nce. It has been identified in 0.3% (30/8592) of European American chromosomes f rom a broad population by the NHLBI Exome Sequencing Project (dbSNP rs111550973).

Genome Diagnostics Laboratory, Amsterdam University Medical Center
Classification: Likely benign for Cutis laxa, autosomal recessive, type 1B. Last evaluated: 2014-02-04. Review status: no assertion criteria provided. Criteria: ACGS Guidelines, 2013. Collection method: clinical testing. Allele origin: germline. Affected: yes. Study: VKGL Data-share Consensus. Not counted in ClinVar's aggregate classification.

Laboratory of Diagnostic Genome Analysis, Leiden University Medical Center (LUMC)
Classification: Likely benign. Review status: no assertion criteria provided. Collection method: clinical testing. Allele origin: germline. Affected: yes. Study: VKGL Data-share Consensus. Not counted in ClinVar's aggregate classification.

Literature cited by the submitters: PubMed 26017485 (cited by Ambry Genetics and Women's Health and Genetics/Laboratory Corporation of America, LabCorp).

NM_016938.5(EFEMP2):c.368-4G>A

Gene: EFEMP2 (EGF-like fibulin extracellular matrix protein 2; minus strand). Cytogenetic location: 11q13.1.
Variant type: single nucleotide variant.
Coding change: c.368-4G>A on transcript NM_016938.5 (MANE Select); 4 bases into the intron before coding-DNA position 368, G replaced by A.
Molecular consequence: intron variant.
Genome position (GRCh38, 1-based): chr11:65,870,662, C>T on the plus strand (G>A on the coding strand, the complement: EFEMP2 is on the minus strand). VCF-style: chr11-65870662-C-T. GRCh37 (hg19) VCF-style: chr11-65638133-C-T.
Other names: p.?.
Identifiers: ClinVar variation 226628 (VCV000226628.76), dbSNP rs111550973, ClinGen allele CA6110685.
Genomic context (GRCh38, chr11:65,870,662, plus strand): 5'-TATGGCAGTCCTGGCTGGGGCGACAGTCGTGCAGGGCCTGGGCACACTCGTCCACATCTG[C>T]GAGAGACACCACTCAGCCCCTGCCTGGGATCCCGCACACCACCCAACATGACAGATAGTT-3'